The following is an entry in ClinVar:

ClinVar aggregate classification (germline): Pathogenic (1 of 4 stars; one submission).

Submission:

GeneDx
Classification: Pathogenic. Last evaluated: 2014-08-20. Review status: criteria provided, single submitter. Criteria: GeneDx Variant Classification (06012015). Collection method: clinical testing. Allele origin: germline. Affected: yes.
Comment: The c.192dupC mutation in the JAG1 gene causes a frameshift starting with codon Lysine 65, changes this amino acid to a Glutamine residue and creates a premature Stop codon at position 8 of the new reading frame, denoted p.Lys65GlnfsX8. This mutation is predicted to cause loss of normal protein function either through protein truncation or nonsense-mediated mRNA decay. Although this mutation has not been previously reported to our knowledge, its presence is consistent with a diagnosis of Alagille syndrome. This variant was found in JAG1-T1

NM_000214.3(JAG1):c.192dup (p.Lys65fs)

Gene: JAG1 (jagged canonical Notch ligand 1; minus strand). Cytogenetic location: 20p12.2.
Variant type: Duplication.
Coding change: c.192dup on transcript NM_000214.3 (MANE Select); coding-DNA position 192, one base duplicated (C; older notation c.192dupC).
Protein change: p.Lys65fs; shifts the reading frame from lysine 65.
Molecular consequence: frameshift variant.
Genome position (GRCh38, 1-based): chr20:10,672,896, G duplicated on the plus strand (C on the coding strand, the reverse complement: JAG1 is on the minus strand). VCF-style (leftmost placement, unchanged base first): chr20-10672895-T-TG. GRCh37 (hg19) VCF-style: chr20-10653543-T-TG.
Other names: c.192dup, p.Lys65fs (LRG_1191t1); short protein forms K65fs.
Identifiers: ClinVar variation 213552 (VCV000213552.1), dbSNP rs863223666, ClinGen allele CA320590.
Genomic context (GRCh38, chr20:10,672,895, plus strand): 5'-GGGACTGATACTCCTTGAGGCACACTTTGAAGTATGTGTCACACTCGTCGCGGGTGCACT[T>TG]GCGGTCTCCCGGGTTCCGGGCGCCGCCGCAGCAGTTCCCGTTCTGCAGCTCCCCGTTCAC-3'